The following is an entry in ClinVar:

ClinVar aggregate classification (germline): Benign/Likely benign. Review status: criteria provided, multiple submitters, no conflicts (2 of 4 stars). 11 submissions from 11 submitters: Benign (3); Likely benign (6). 2 of the submissions do not count toward it. Last evaluated 2026-08-01.

Conditions:
Neuropathy, hereditary sensory and autonomic, type 2A (HSAN2A). Also called: MORVAN DISEASE; NEUROPATHY, CONGENITAL SENSORY; NEUROPATHY, HEREDITARY SENSORY RADICULAR, AUTOSOMAL RECESSIVE; NEUROPATHY, HEREDITARY SENSORY, TYPE IIA; NEUROPATHY, PROGRESSIVE SENSORY, OF CHILDREN; HSAN IIA. Identifiers: Orphanet 970, MedGen C2752089, MONDO:0024309, OMIM 201300.
Pseudohypoaldosteronism type 2C (PHA2C). Also called: Pseudohypoaldosteronism Type IIC. Identifiers: Orphanet 757, Orphanet 88940, MedGen C1840391, MONDO:0013778, OMIM 614492.
Inborn genetic diseases. Identifiers: MedGen C0950123, MeSH D030342.

Allele frequency attached by ClinVar (database versions not stated): 1000 Genomes Project 0.00120; 1000 Genomes Project 30x 0.00187; gnomAD exomes 0.00258 and 0.00429; ExAC 0.00260; gnomAD 0.00269 and 0.00273; TOPMed 0.00298; ESP Exome Variant Server 0.00415.
gnomAD v4.1: 6,672 of 1,614,086 alleles (0.41%); highest among the groups gnomAD compares: Non-Finnish European, 0.51%; 23 homozygotes.

Submissions (11):

CeGaT Center for Human Genetics Tuebingen
Classification: Likely benign. Last evaluated: 2026-08-01. Review status: criteria provided, single submitter. Criteria: CeGaT Center For Human Genetics Tuebingen Variant Classification Criteria Version 2. Collection method: clinical testing. Allele origin: germline. Affected: yes. Observed: 13 variant alleles.
Comment: WNK1: BP4, BS2

Labcorp Genetics (formerly Invitae), Labcorp
Classification: Benign for Neuropathy, hereditary sensory and autonomic, type 2A; Pseudohypoaldosteronism type 2C. Last evaluated: 2026-01-31. Review status: criteria provided, single submitter. Criteria: Invitae Variant Classification Sherloc (09022015). Collection method: clinical testing. Allele origin: germline.

Mayo Clinic Laboratories, Mayo Clinic
Classification: Likely benign. Last evaluated: 2025-09-24. Review status: criteria provided, single submitter. Criteria: ACMG Guidelines, 2015. Collection method: clinical testing. Allele origin: germline. Observed: 10 variant alleles.
Comment: BS1, BP4, BP7

Blueprint Genetics
Classification: Likely benign. Last evaluated: 2024-11-25. Review status: criteria provided, single submitter. Criteria: ACMG Guidelines, 2015. Collection method: clinical testing. Allele origin: germline.

ARUP Laboratories, Molecular Genetics and Genomics, ARUP Laboratories
Classification: Benign. Last evaluated: 2024-11-23. Review status: criteria provided, single submitter. Criteria: ARUP Molecular Germline Variant Investigation Process 2024. Collection method: clinical testing. Allele origin: germline.

Ambry Genetics
Classification: Likely benign for Inborn genetic diseases. Last evaluated: 2019-09-18. Review status: criteria provided, single submitter. Criteria: Ambry Variant Classification Scheme 2023. Collection method: clinical testing. Allele origin: germline.

Illumina Laboratory Services, Illumina
Classification: Benign for Pseudohypoaldosteronism type 2C. Last evaluated: 2018-01-13. Review status: criteria provided, single submitter. Criteria: ICSL Variant Classification Criteria 13 December 2019. Collection method: clinical testing. Allele origin: germline.
Comment: This variant was observed in the ICSL laboratory as part of a predisposition screen in an ostensibly healthy population. It had not been previously curated by ICSL or reported in the Human Gene Mutation Database (HGMD: prior to June 1st, 2018), and was therefore a candidate for classification through an automated scoring system. Utilizing variant allele frequency, disease prevalence and penetrance estimates, and inheritance mode, an automated score was calculated to assess if this variant is too frequent to cause the disease. Based on the score and internal cut-off values, a variant classified as benign is not then subjected to further curation. The score for this variant resulted in a classification of benign for this disease.

Eurofins Ntd Llc (ga)
Classification: Likely benign. Last evaluated: 2015-03-04. Review status: criteria provided, single submitter. Criteria: EGL Classification Definitions 2015. Collection method: clinical testing. Allele origin: germline. Observed: 1 variant allele, 1 heterozygote.

Breakthrough Genomics
Classification: Likely benign. Review status: criteria provided, single submitter. Criteria: ACMG Guidelines, 2015. Collection method: not provided. Allele origin: germline. Inheritance: Autosomal recessive inheritance. Affected: yes.

Clinical Genetics, Academic Medical Center
Classification: Benign. Review status: no assertion criteria provided. Collection method: clinical testing. Allele origin: germline. Affected: yes. Study: VKGL Data-share Consensus. Not counted in ClinVar's aggregate classification.

Genome Diagnostics Laboratory, University Medical Center Utrecht
Classification: Benign. Review status: no assertion criteria provided. Collection method: clinical testing. Allele origin: germline. Affected: yes. Study: VKGL Data-share Consensus. Not counted in ClinVar's aggregate classification.

NM_018979.4(WNK1):c.5281-4G>A

Gene: WNK1 (WNK lysine deficient protein kinase 1; plus strand). Cytogenetic location: 12p13.33.
Variant type: single nucleotide variant.
Coding change: c.5281-4G>A on transcript NM_018979.4 (MANE Select); 4 bases into the intron before coding-DNA position 5281, G replaced by A.
Molecular consequence: intron variant.
Genome position (GRCh38, 1-based): chr12:887,217, G>A. VCF-style: chr12-887217-G-A. GRCh37 (hg19) VCF-style: chr12-996383-G-A.
Other names: p.?; c.6037-4G>A (NM_213655.5); c.6061-4G>A (NM_001184985.2); c.4540-4G>A (NM_014823.3).
Identifiers: ClinVar variation 195525 (VCV000195525.68), dbSNP rs72650740, ClinGen allele CA201809.